The following is an entry in ClinVar:

ClinVar aggregate classification (germline): Conflicting classifications of pathogenicity. Review status: criteria provided, conflicting classifications (1 of 4 stars). 4 submissions from 4 submitters: Likely pathogenic (1); Uncertain significance (2); Likely benign (1). Last evaluated 2025-12-15.

Conditions:
Thyroid dyshormonogenesis 6 (TDH6). Also called: THYROID HORMONOGENESIS, GENETIC DEFECT IN, 6; HYPOTHYROIDISM, CONGENITAL, DUE TO DYSHORMONOGENESIS, 6; Genetic transient congenital hypothyroidism. Identifiers: Orphanet 226316, Orphanet 95716, MedGen C1846632, MONDO:0011792, OMIM 607200.

Allele frequency attached by ClinVar (database versions not stated): TOPMed 0.00012; 1000 Genomes Project 30x 0.00062; 1000 Genomes Project 0.00080.
gnomAD v4.1: 95 of 1,613,974 alleles (0.0059%); highest among the groups gnomAD compares: East Asian, 0.17%; no homozygotes.

Submissions (4):

Labcorp Genetics (formerly Invitae), Labcorp
Classification: Likely benign. Last evaluated: 2025-12-15. Review status: criteria provided, single submitter. Criteria: Invitae Variant Classification Sherloc (09022015). Collection method: clinical testing. Allele origin: germline.

3billion
Classification: Uncertain significance for Thyroid dyshormonogenesis 6. Last evaluated: 2023-08-01. Review status: criteria provided, single submitter. Criteria: ACMG Guidelines, 2015. Collection method: clinical testing. Allele origin: germline. Affected: yes.
Comment: The variant is observed at an extremely low frequency in the gnomAD v2.1.1 dataset (total allele frequency: 0.016%). Predicted Consequence/Location: Missense variant In silico tool predictions suggest damaging effect of the variant on gene or gene product (REVEL: 0.84; 3Cnet: 0.91). The variant has been reported as benign without evidence for the classification (ClinVar ID: VCV000884964). Therefore, this variant is classified as VUS according to the recommendation of ACMG/AMP guideline.

Illumina Laboratory Services, Illumina
Classification: Uncertain significance for Thyroid dyshormonogenesis 6. Last evaluated: 2017-12-07. Review status: criteria provided, single submitter. Criteria: ICSL Variant Classification Criteria 13 December 2019. Collection method: clinical testing. Allele origin: germline.
Comment: This variant was observed as part of a predisposition screen in an ostensibly healthy population. A literature search was performed for the gene, cDNA change, and amino acid change (where applicable). Publications were found based on this search. However, the evidence from the literature, in combination with allele frequency data from public databases where available, was not sufficient to rule this variant in or out of causing disease. Therefore, this variant is classified as a variant of unknown significance.

Juno Genomics, Hangzhou Juno Genomics, Inc
Classification: Likely pathogenic for Thyroid dyshormonogenesis 6. Review status: criteria provided, single submitter. Criteria: ACMG Guidelines, 2015. Collection method: clinical testing. Allele origin: germline.
Comment: Absent from controls (or at extremely low frequency if recessive) in Genome Aggregation Database.;Well-established in vitro or in vivo functional studies supportive of a damaging effect on the gene or gene product.;For recessive disorders, detected in trans with a pathogenic variant.;Patient's phenotype or family history is highly specific for a disease with a single genetic etiology.

Literature cited by the submitters: PubMed 27498126 (cited by Illumina Laboratory Services, Illumina).

NM_001363711.2(DUOX2):c.4408C>T (p.Arg1470Trp)

Gene: DUOX2 (dual oxidase 2; minus strand). Cytogenetic location: 15q21.1.
Variant type: single nucleotide variant.
Coding change: c.4408C>T on transcript NM_001363711.2 (MANE Select); coding-DNA position 4408, C replaced by T.
Protein change: p.Arg1470Trp; replaces arginine 1470 with tryptophan.
Molecular consequence: missense variant.
Genome position (GRCh38, 1-based): chr15:45,094,679, G>A on the plus strand (C>T on the coding strand, the complement: DUOX2 is on the minus strand). VCF-style: chr15-45094679-G-A. GRCh37 (hg19) VCF-style: chr15-45386877-G-A.
Other names: c.4408C>T, p.Arg1470Trp (NM_014080.5); short protein forms R1470W.
Identifiers: ClinVar variation 884964 (VCV000884964.11), dbSNP rs200785525, ClinGen allele CA7537516.